The following is an entry in ClinVar:

NM_000081.4(LYST):c.6121+5G>A

Gene: LYST (lysosomal trafficking regulator; minus strand). Cytogenetic location: 1q42.3.
Variant type: single nucleotide variant.
Coding change: c.6121+5G>A on transcript NM_000081.4 (MANE Select); 5 bases into the intron after coding-DNA position 6121, G replaced by A.
Molecular consequence: intron variant.
Genome position (GRCh38, 1-based): chr1:235,766,074, C>T on the plus strand (G>A on the coding strand, the complement: LYST is on the minus strand). VCF-style: chr1-235766074-C-T. GRCh37 (hg19) VCF-style: chr1-235929374-C-T.
Other names: c.6121+5G>A (NM_001301365.1).
Identifiers: ClinVar variation 1467772 (VCV001467772.3), dbSNP rs1334935722, ClinGen allele CA529911416.

ClinVar aggregate classification (germline): Uncertain significance (1 of 4 stars; one submission).

Conditions:
Chédiak-Higashi syndrome (CHS). Also called: Chediak-Higashi Syndrome. Identifiers: Orphanet 167, MedGen C0007965, MONDO:0008963, OMIM 214500.

Allele frequency attached by ClinVar (database versions not stated): TOPMed below 0.00001; gnomAD exomes 0.00001.
gnomAD v4.1: 9 of 1,603,834 alleles (0.00056%); highest among the groups gnomAD compares: Non-Finnish European, 0.00077%; no homozygotes.

Submission:

Labcorp Genetics (formerly Invitae), Labcorp
Classification: Uncertain significance for Chédiak-Higashi syndrome. Last evaluated: 2021-05-25. Review status: criteria provided, single submitter. Criteria: Invitae Variant Classification Sherloc (09022015). Collection method: clinical testing. Allele origin: germline.
Comment: This sequence change falls in intron 21 of the LYST gene. It does not directly change the encoded amino acid sequence of the LYST protein. It affects a nucleotide within the consensus splice site of the intron. This variant is not present in population databases (ExAC no frequency). This variant has not been reported in the literature in individuals with LYST-related conditions. Nucleotide substitutions within the consensus splice site are a relatively common cause of aberrant splicing (PMID: 17576681, 9536098). Algorithms developed to predict the effect of sequence changes on RNA splicing suggest that this variant may disrupt the consensus splice site, but this prediction has not been confirmed by published transcriptional studies. In summary, the available evidence is currently insufficient to determine the role of this variant in disease. Therefore, it has been classified as a Variant of Uncertain Significance.

Literature cited by the submitters: PubMed 17576681; PubMed 9536098.